The following is an entry in ClinVar:

ClinVar aggregate classification (germline): Benign/Likely benign. Review status: criteria provided, multiple submitters, no conflicts (2 of 4 stars). 2 submissions from 2 submitters: Benign (1); Likely benign (1). Last evaluated 2024-12-23.

Conditions:
Hereditary cancer-predisposing syndrome. Also called: Neoplastic Syndromes, Hereditary; Tumor predisposition; Hereditary Cancer Syndrome; Hereditary neoplastic syndrome. Identifiers: Orphanet 140162, MedGen C0027672, MeSH D009386, MONDO:0015356.
Lynch syndrome 5 (LYNCH5). Also called: Colorectal cancer, hereditary nonpolyposis, type 5; Hereditary non-polyposis colorectal cancer, type 5. Identifiers: Orphanet 144, MedGen C1833477, MONDO:0013710, OMIM 614350. Disease mechanism: loss of function.

Submissions (2):

Myriad Genetics, Inc.
Classification: Benign for Lynch syndrome 5. Last evaluated: 2024-12-23. Review status: criteria provided, single submitter. Criteria: Myriad Autosomal Dominant, Autosomal Recessive and X-Linked Classification Criteria (2023). Collection method: clinical testing. Allele origin: unknown.
Comment: This variant is considered benign. This variant is a silent/synonymous amino acid change and it is not expected to impact splicing.

Ambry Genetics
Classification: Likely benign for Hereditary cancer-predisposing syndrome. Last evaluated: 2014-12-31. Review status: criteria provided, single submitter. Criteria: Ambry Variant Classification Scheme 2023. Collection method: clinical testing. Allele origin: germline.

NM_000179.3(MSH6):c.1122G>A (p.Lys374=)

Gene: MSH6 (mutS homolog 6; plus strand). Cytogenetic location: 2p16.3.
Variant type: single nucleotide variant.
Coding change: c.1122G>A on transcript NM_000179.3 (MANE Select); coding-DNA position 1122, G replaced by A.
Protein change: p.Lys374=; no amino-acid change (lysine 374 retained).
Molecular consequence: synonymous variant.
Genome position (GRCh38, 1-based): chr2:47,799,105, G>A. VCF-style: chr2-47799105-G-A. GRCh37 (hg19) VCF-style: chr2-48026244-G-A.
Other names: c.732G>A, p.Lys244= (NM_001281492.2); c.216G>A, p.Lys72= (NM_001281493.2, NM_001281494.2).
Identifiers: ClinVar variation 187697 (VCV000187697.6), dbSNP rs786203929, ClinGen allele CA008081.